The following is an entry in ClinVar:

NM_013336.4(SEC61A1):c.1388A>C (p.Lys463Thr)

Genes: RUVBL1 (RuvB like AAA ATPase 1; minus strand), SEC61A1 (SEC61 translocon subunit alpha 1; plus strand). Cytogenetic location: 3q21.3.
Variant type: single nucleotide variant.
Coding change: c.1388A>C on transcript NM_013336.4 (MANE Select); coding-DNA position 1388, A replaced by C.
Protein change: p.Lys463Thr; replaces lysine 463 with threonine.
Molecular consequence: missense variant. On other transcripts: intron variant (1).
Genome position (GRCh38, 1-based): chr3:128,069,619, A>C. VCF-style: chr3-128069619-A-C. GRCh37 (hg19) VCF-style: chr3-127788462-A-C.
Other names: c.1406A>C, p.Lys469Thr (NM_001400328.1); c.1229A>C, p.Lys410Thr (NM_001400329.1); c.940-4399T>G (NM_001319086.1); short protein forms K463T, K469T, K410T.
Identifiers: ClinVar variation 2965282 (VCV002965282.3), dbSNP rs2473053727, ClinGen allele CA354403609.
Genomic context (GRCh38, chr3:128,069,619, plus strand): 5'-CTGGAACCGGGATCCTGCTCGCAGTCACAATCATCTACCAGTACTTTGAGATCTTCGTTA[A>C]GGAGCAAAGCGAGGTTGGCAGCATGGGGGCCCTGCTCTTCTGAGCCCGTCTCCCGGACAG-3'
Protein context (NP_037468.1, residues 453-473): IIYQYFEIFV[Lys463Thr]EQSEVGSMGA

ClinVar aggregate classification (germline): Uncertain significance (1 of 4 stars; one submission).

Allele frequency attached by ClinVar (database versions not stated): gnomAD exomes below 0.00001.
gnomAD v4.1: 1 of 1,614,190 alleles (0.000062%); highest among the groups gnomAD compares: Non-Finnish European, 0.000085%; no homozygotes.

Submission:

Labcorp Genetics (formerly Invitae), Labcorp
Classification: Uncertain significance. Last evaluated: 2023-09-20. Review status: criteria provided, single submitter. Criteria: Invitae Variant Classification Sherloc (09022015). Collection method: clinical testing. Allele origin: germline.
Comment: In summary, the available evidence is currently insufficient to determine the role of this variant in disease. Therefore, it has been classified as a Variant of Uncertain Significance. Advanced modeling of protein sequence and biophysical properties (such as structural, functional, and spatial information, amino acid conservation, physicochemical variation, residue mobility, and thermodynamic stability) performed at Invitae indicates that this missense variant is expected to disrupt SEC61A1 protein function. This variant has not been reported in the literature in individuals affected with SEC61A1-related conditions. This variant is not present in population databases (gnomAD no frequency). This sequence change replaces lysine, which is basic and polar, with threonine, which is neutral and polar, at codon 463 of the SEC61A1 protein (p.Lys463Thr).